The following is an entry in ClinVar:

NM_015215.4(CAMTA1):c.164A>G (p.Lys55Arg)

Gene: CAMTA1 (calmodulin binding transcription activator 1; plus strand). Cytogenetic location: 1p36.31.
Variant type: single nucleotide variant.
Coding change: c.164A>G on transcript NM_015215.4 (MANE Select); coding-DNA position 164, A replaced by G.
Protein change: p.Lys55Arg; replaces lysine 55 with arginine.
Molecular consequence: missense variant. On other transcripts: non-coding transcript variant (4).
Genome position (GRCh38, 1-based): chr1:6,825,140, A>G. VCF-style: chr1-6825140-A-G. GRCh37 (hg19) VCF-style: chr1-6885200-A-G.
Other names: c.164A>G, p.Lys55Arg (NM_001195563.2, NM_001242701.2, NM_001349609.2 and 3 more transcripts); c.74A>G, p.Lys25Arg (NM_001349608.2, NM_001349612.2); c.200A>G, p.Lys67Arg (NM_001349627.2); short protein forms K25R, K67R, K55R.
Identifiers: ClinVar variation 2100134 (VCV002100134.4), dbSNP rs2524177832, ClinGen allele CA338217701.

ClinVar aggregate classification (germline): Uncertain significance (1 of 4 stars; one submission).

Submission:

Labcorp Genetics (formerly Invitae), Labcorp
Classification: Uncertain significance. Last evaluated: 2022-08-09. Review status: criteria provided, single submitter. Criteria: Invitae Variant Classification Sherloc (09022015). Collection method: clinical testing. Allele origin: germline.
Comment: This sequence change replaces lysine, which is basic and polar, with arginine, which is basic and polar, at codon 55 of the CAMTA1 protein (p.Lys55Arg). This variant is not present in population databases (gnomAD no frequency). This variant has not been reported in the literature in individuals affected with CAMTA1-related conditions. Algorithms developed to predict the effect of missense changes on protein structure and function are either unavailable or do not agree on the potential impact of this missense change (SIFT: "Tolerated"; PolyPhen-2: "Probably Damaging"; Align-GVGD: "Class C0"). In summary, the available evidence is currently insufficient to determine the role of this variant in disease. Therefore, it has been classified as a Variant of Uncertain Significance.